The following is an entry in ClinVar:

NM_001165963.4(SCN1A):c.971ATT[1] (p.Tyr325del)

Gene: SCN1A (sodium voltage-gated channel alpha subunit 1; minus strand). Cytogenetic location: 2q24.3.
Variant type: Microsatellite.
Coding change: c.971ATT[1] on transcript NM_001165963.4 (MANE Select); one copy of the 3-base unit ATT starting at c.971; the reference has two copies in a row; one copy, 3 bases deleted.
Protein change: p.Tyr325del; deletes tyrosine 325.
Molecular consequence: inframe deletion. On other transcripts: 5 prime UTR variant (1), non-coding transcript variant (1).
Genome position (GRCh38, 1-based): chr2:166,048,938-166,048,940, AAT deleted on the plus strand (ATT on the coding strand, the reverse complement: SCN1A is on the minus strand); deleting any 3 consecutive bases within chr2:166,048,938-166,048,943 gives the same sequence; the position shown is the placement nearest the transcript's 3' end. VCF-style (leftmost placement, unchanged base first): chr2-166048937-AAAT-A. GRCh37 (hg19) VCF-style: chr2-166905447-AAAT-A.
Other names: c.971ATT[1], p.Tyr325del (NM_001165964.3, NM_001202435.3, NM_001353948.2 and 10 more transcripts); c.-1455ATT[1] (NM_001353961.2); short protein forms Y325del.
Identifiers: ClinVar variation 503736 (VCV000503736.3), dbSNP rs1553548194, ClinGen allele CA658795928.
Genomic context (GRCh38, chr2:166,048,937, plus strand): 5'-TTGACTTACCCTGCATCAGAGCTATTTCCACATAGTAGTGCATCTAAAAAACCCTCCAGG[AAAT>A]AATGATATCCTGTTTGAAAAAAGAAAGTCGTATGATGAACATTTGCATTGTTAAAAACAC-3'

ClinVar aggregate classification (germline): Pathogenic/Likely pathogenic. Review status: criteria provided, multiple submitters, no conflicts (2 of 4 stars). 2 submissions from 2 submitters: Pathogenic (1); Likely pathogenic (1). Last evaluated 2017-11-10.

Conditions:
Obesity. Also called: Obesity disorder. Identifiers: Orphanet 71529, MedGen C0028754, MeSH D009765, MONDO:0011122, HP:0001513.
Intellectual disability. Also called: Intellectual developmental disorder; Intellectual functioning disability; intellectual disabilities. Identifiers: MedGen C3714756, MeSH D008607, MONDO:0001071, HP:0001249.
Seizure. Also called: Seizures. Identifiers: MedGen C0036572, HP:0001250.

Submissions (2):

GeneDx
Classification: Pathogenic. Last evaluated: 2017-11-10. Review status: criteria provided, single submitter. Criteria: GeneDx Variant Classification (06012015). Collection method: clinical testing. Allele origin: germline. Affected: yes.
Comment: The c.974_976delATT variant in the SCN1A gene has been reported previously as de novo in an individual with Dravet syndrome (Wu et al., 2015). This variant causes an in-frame deletion of codon Tyrosine 325, denoted p.Tyr325del. This lost residue is predicted to be within the extracellular loop between the S5 and S6 transmembrane segments of the first homologous domain. In silico analyses, including protein predictors and evolutionary conservation, support a deleterious effect. The c.974_976delATT variant is not observed in large population cohorts (Lek et al., 2016). Therefore, we interpret c.974_976delATT as a pathogenic variant.

Centre for Mendelian Genomics, University Medical Centre Ljubljana
Classification: Likely pathogenic for Intellectual disability; Obesity; Seizure. Last evaluated: 2017-01-01. Review status: criteria provided, single submitter. Criteria: ACMG Guidelines, 2015. Collection method: clinical testing. Allele origin: unknown. Affected: yes.